The following is an entry in ClinVar:

NM_000038.6(APC):c.7622T>C (p.Ile2541Thr)

Gene: APC (APC regulator of Wnt signaling pathway; plus strand). Cytogenetic location: 5q22.2.
Variant type: single nucleotide variant.
Coding change: c.7622T>C on transcript NM_000038.6 (MANE Select); coding-DNA position 7622, T replaced by C.
Protein change: p.Ile2541Thr; replaces isoleucine 2541 with threonine.
Molecular consequence: missense variant.
Genome position (GRCh38, 1-based): chr5:112,843,216, T>C. VCF-style: chr5-112843216-T-C. GRCh37 (hg19) VCF-style: chr5-112178913-T-C.
Other names: c.7622T>C, p.Ile2541Thr (NM_001127510.3, NM_001354895.2); c.7568T>C, p.Ile2523Thr (NM_001127511.3); c.7676T>C, p.Ile2559Thr (NM_001354896.2); c.7652T>C, p.Ile2551Thr (NM_001354897.2); c.7547T>C, p.Ile2516Thr (NM_001354898.2); c.7538T>C, p.Ile2513Thr (NM_001354899.2); c.7499T>C, p.Ile2500Thr (NM_001354900.2); c.7445T>C, p.Ile2482Thr (NM_001354901.2); and 5 more; short protein forms I2541T, I2523T, I2258T, I2381T, I2440T, I2415T, I2500T, I2516T.
Identifiers: ClinVar variation 482248 (VCV000482248.18), dbSNP rs1554088540, ClinGen allele CA16037886.

ClinVar aggregate classification (germline): Uncertain significance. Review status: criteria provided, multiple submitters, no conflicts (2 of 4 stars). 4 submissions from 4 submitters: Uncertain significance (4). Last evaluated 2025-01-02.

Conditions:
Hereditary cancer-predisposing syndrome. Also called: Neoplastic Syndromes, Hereditary; Tumor predisposition; Hereditary Cancer Syndrome; Hereditary neoplastic syndrome. Identifiers: Orphanet 140162, MedGen C0027672, MeSH D009386, MONDO:0015356.
Familial adenomatous polyposis 1 (FAP1). Also called: FAMILIAL ADENOMATOUS POLYPOSIS 1, ATTENUATED; POLYPOSIS, ADENOMATOUS INTESTINAL. Identifiers: MedGen C2713442, MONDO:0021056, OMIM 175100. Disease mechanism: loss of function.

Allele frequency attached by ClinVar (database versions not stated): gnomAD exomes below 0.00001.
gnomAD v4.1: 2 of 1,613,794 alleles (0.00012%); highest among the groups gnomAD compares: Non-Finnish European, 0.00017%; no homozygotes.

Submissions (4):

Ambry Genetics
Classification: Uncertain significance for Hereditary cancer-predisposing syndrome. Last evaluated: 2025-01-02. Review status: criteria provided, single submitter. Criteria: Ambry Variant Classification Scheme 2023. Collection method: clinical testing. Allele origin: germline.
Comment: The p.I2541T variant (also known as c.7622T>C), located in coding exon 15 of the APC gene, results from a T to C substitution at nucleotide position 7622. The isoleucine at codon 2541 is replaced by threonine, an amino acid with similar properties. Missense alterations in APC are not a common cause of disease (Spier I et al. Genet Med. 2024 Feb;26(2):100992). This amino acid position is not well conserved in available vertebrate species. In addition, in silico predictors for this gene do not accurately predict pathogenicity. Based on the available evidence, the clinical significance of this variant remains unclear.

Color Diagnostics, LLC DBA Color Health
Classification: Uncertain significance for Hereditary cancer-predisposing syndrome. Last evaluated: 2024-03-06. Review status: criteria provided, single submitter. Criteria: ACMG Guidelines, 2015. Collection method: clinical testing. Allele origin: germline.
Comment: This missense variant replaces isoleucine with threonine at codon 2541 of the APC protein. Computational prediction suggests that this variant may not impact protein structure and function (internally defined REVEL score threshold <= 0.5, PMID: 27666373). To our knowledge, functional studies have not been reported for this variant. This variant has not been reported in individuals affected with hereditary cancer in the literature. This variant has not been identified in the general population by the Genome Aggregation Database (gnomAD). The available evidence is insufficient to determine the role of this variant in disease conclusively. Therefore, this variant is classified as a Variant of Uncertain Significance.

Labcorp Genetics (formerly Invitae), Labcorp
Classification: Uncertain significance for Familial adenomatous polyposis 1. Last evaluated: 2023-11-08. Review status: criteria provided, single submitter. Criteria: Invitae Variant Classification Sherloc (09022015). Collection method: clinical testing. Allele origin: germline.
Comment: This sequence change replaces isoleucine, which is neutral and non-polar, with threonine, which is neutral and polar, at codon 2541 of the APC protein (p.Ile2541Thr). This variant is not present in population databases (gnomAD no frequency). This variant has not been reported in the literature in individuals affected with APC-related conditions. ClinVar contains an entry for this variant (Variation ID: 482248). Advanced modeling of protein sequence and biophysical properties (such as structural, functional, and spatial information, amino acid conservation, physicochemical variation, residue mobility, and thermodynamic stability) performed at Invitae indicates that this missense variant is not expected to disrupt APC protein function with a negative predictive value of 95%. In summary, the available evidence is currently insufficient to determine the role of this variant in disease. Therefore, it has been classified as a Variant of Uncertain Significance.

Quest Diagnostics Nichols Institute San Juan Capistrano
Classification: Uncertain significance. Last evaluated: 2020-06-25. Review status: criteria provided, single submitter. Criteria: Quest Diagnostics criteria. Collection method: clinical testing. Allele origin: unknown.